The following is an entry in ClinVar:

NM_001127208.3(TET2):c.1999C>T (p.His667Tyr)

Genes: TET2 (tet methylcytosine dioxygenase 2; plus strand), TET2-AS1 (TET2 antisense RNA 1; minus strand). Cytogenetic location: 4q24.
Variant type: single nucleotide variant.
Coding change: c.1999C>T on transcript NM_001127208.3 (MANE Select); coding-DNA position 1999, C replaced by T.
Protein change: p.His667Tyr; replaces histidine 667 with tyrosine.
Molecular consequence: missense variant.
Genome position (GRCh38, 1-based): chr4:105,235,941, C>T. VCF-style: chr4-105235941-C-T. GRCh37 (hg19) VCF-style: chr4-106157098-C-T.
Other names: c.1999C>T, p.His667Tyr (NM_017628.4); short protein forms H667Y.
Identifiers: ClinVar variation 3609008 (VCV003609008.2).

ClinVar aggregate classification (germline): Uncertain significance (1 of 4 stars; one submission).

gnomAD v4.1: 4 of 1,614,090 alleles (0.00025%); highest among the groups gnomAD compares: South Asian, 0.0033%; no homozygotes.

Submission:

Labcorp Genetics (formerly Invitae), Labcorp
Classification: Uncertain significance. Last evaluated: 2024-11-27. Review status: criteria provided, single submitter. Criteria: Invitae Variant Classification Sherloc (09022015). Collection method: clinical testing. Allele origin: germline.
Comment: This sequence change replaces histidine, which is basic and polar, with tyrosine, which is neutral and polar, at codon 667 of the TET2 protein (p.His667Tyr). This variant is present in population databases (rs763242683, gnomAD 0.003%). This variant has not been reported in the literature in individuals affected with TET2-related conditions. An algorithm developed to predict the effect of missense changes on protein structure and function (PolyPhen-2) suggests that this variant is likely to be tolerated. In summary, the available evidence is currently insufficient to determine the role of this variant in disease. Therefore, it has been classified as a Variant of Uncertain Significance.